The following is an entry in ClinVar:

ClinVar aggregate classification (germline): Pathogenic (1 of 4 stars; one submission).

Conditions:
Primary ciliary dyskinesia. Also called: Ciliary dyskinesia. Identifiers: Orphanet 244, MedGen C0008780, MONDO:0016575, HP:0012265.

Allele frequency attached by ClinVar (database versions not stated): TOPMed below 0.00001.

Submission:

Labcorp Genetics (formerly Invitae), Labcorp
Classification: Pathogenic for Primary ciliary dyskinesia. Last evaluated: 2022-11-29. Review status: criteria provided, single submitter. Criteria: Invitae Variant Classification Sherloc (09022015). Collection method: clinical testing. Allele origin: germline.
Comment: This sequence change creates a premature translational stop signal (p.Leu1503Phefs*10) in the DNAH11 gene. It is expected to result in an absent or disrupted protein product. Loss-of-function variants in DNAH11 are known to be pathogenic (PMID: 18022865, 20513915, 22184204). This variant is not present in population databases (gnomAD no frequency). This variant has not been reported in the literature in individuals affected with DNAH11-related conditions. For these reasons, this variant has been classified as Pathogenic.

Literature cited by the submitters: PubMed 18022865; PubMed 20513915; PubMed 22184204.

NM_001277115.2(DNAH11):c.4509del (p.Leu1503fs)

Gene: DNAH11 (dynein axonemal heavy chain 11; plus strand). Cytogenetic location: 7p15.3.
Variant type: Deletion.
Coding change: c.4509del on transcript NM_001277115.2 (MANE Select); coding-DNA position 4509, one base deleted (G; older notation c.4509delG).
Protein change: p.Leu1503fs; shifts the reading frame from leucine 1503.
Molecular consequence: frameshift variant.
Genome position (GRCh38, 1-based): chr7:21,635,879, G deleted. VCF-style (leftmost placement, unchanged base first): chr7-21635878-TG-T. GRCh37 (hg19) VCF-style: chr7-21675496-TG-T.
Other names: c.4524delG, p.Leu1508Phefs (NM_003777.3); short protein forms L1503fs.
Identifiers: ClinVar variation 2817209 (VCV002817209.3), dbSNP rs1438226783, ClinGen allele CA836638126.
Genomic context (GRCh38, chr7:21,635,878, plus strand): 5'-CTCACATTCTACTAAATTTAGCTACTATTTAAAATTCTTTGCCTTTATTTTAGGTTCAGT[TG>T]CAGACTCTTCTTCAAAGCAAGTATGTAGAATATTTCATTGAGCAAGTGTTAAGCTGGCAA-3'